The following is an entry in ClinVar:

NM_000038.6(APC):c.2030T>C (p.Val677Ala)

Gene: APC (APC regulator of Wnt signaling pathway; plus strand). Cytogenetic location: 5q22.2.
Variant type: single nucleotide variant.
Coding change: c.2030T>C on transcript NM_000038.6 (MANE Select); coding-DNA position 2030, T replaced by C.
Protein change: p.Val677Ala; replaces valine 677 with alanine.
Molecular consequence: missense variant. On other transcripts: non-coding transcript variant (2).
Genome position (GRCh38, 1-based): chr5:112,837,624, T>C. VCF-style: chr5-112837624-T-C. GRCh37 (hg19) VCF-style: chr5-112173321-T-C.
Other names: c.2030T>C, p.Val677Ala (NM_001127510.3, NM_001354895.2, NM_001407450.1); c.1976T>C, p.Val659Ala (NM_001127511.3); c.2084T>C, p.Val695Ala (NM_001354896.2, NM_001407447.1, NM_001407448.1 and 1 more transcripts); c.2060T>C, p.Val687Ala (NM_001354897.2); c.1955T>C, p.Val652Ala (NM_001354898.2); c.1946T>C, p.Val649Ala (NM_001354899.2); c.1907T>C, p.Val636Ala (NM_001354900.2); c.1853T>C, p.Val618Ala (NM_001354901.2, NM_001407453.1); and 11 more; short protein forms V551A, V586A, V636A, V649A, V659A, V687A, V394A, V517A.
Identifiers: ClinVar variation 3635415 (VCV003635415.2).

ClinVar aggregate classification (germline): Uncertain significance (1 of 4 stars; one submission).

Conditions:
Familial adenomatous polyposis 1 (FAP1). Also called: FAMILIAL ADENOMATOUS POLYPOSIS 1, ATTENUATED; POLYPOSIS, ADENOMATOUS INTESTINAL. Identifiers: MedGen C2713442, MONDO:0021056, OMIM 175100. Disease mechanism: loss of function.

Submission:

Labcorp Genetics (formerly Invitae), Labcorp
Classification: Uncertain significance for Familial adenomatous polyposis 1. Last evaluated: 2024-09-16. Review status: criteria provided, single submitter. Criteria: Invitae Variant Classification Sherloc (09022015). Collection method: clinical testing. Allele origin: germline.
Comment: This sequence change replaces valine, which is neutral and non-polar, with alanine, which is neutral and non-polar, at codon 677 of the APC protein (p.Val677Ala). This variant is not present in population databases (gnomAD no frequency). This variant has not been reported in the literature in individuals affected with APC-related conditions. Invitae Evidence Modeling of protein sequence and biophysical properties (such as structural, functional, and spatial information, amino acid conservation, physicochemical variation, residue mobility, and thermodynamic stability) indicates that this missense variant is not expected to disrupt APC protein function with a negative predictive value of 95%. In summary, the available evidence is currently insufficient to determine the role of this variant in disease. Therefore, it has been classified as a Variant of Uncertain Significance.